The following is an entry in ClinVar:

NM_138694.4(PKHD1):c.192C>T (p.Asn64=)

Gene: PKHD1 (PKHD1 ciliary IPT domain containing fibrocystin/polyductin; minus strand). Cytogenetic location: 6p12.2.
Variant type: single nucleotide variant.
Coding change: c.192C>T on transcript NM_138694.4 (MANE Select); coding-DNA position 192, C replaced by T.
Protein change: p.Asn64=; no amino-acid change (asparagine 64 retained).
Molecular consequence: synonymous variant.
Genome position (GRCh38, 1-based): chr6:52,082,481, G>A on the plus strand (C>T on the coding strand, the complement: PKHD1 is on the minus strand). VCF-style: chr6-52082481-G-A. GRCh37 (hg19) VCF-style: chr6-51947279-G-A.
Other names: c.192C>T, p.Asn64= (NM_170724.3).
Identifiers: ClinVar variation 357458 (VCV000357458.19), dbSNP rs148089143, ClinGen allele CA3854001.

ClinVar aggregate classification (germline): Conflicting classifications of pathogenicity. Review status: criteria provided, conflicting classifications (1 of 4 stars). 4 submissions from 4 submitters: Uncertain significance (1); Likely benign (1). 2 of the submissions do not count toward it. Last evaluated 2024-03-07.

Conditions:
PKHD1-related disorder. Also called: PKHD1-related condition.
Autosomal recessive polycystic kidney disease (ARPKD). Also called: AR polycystic kidney disease. Identifiers: Orphanet 731, Orphanet 8378, MedGen C0085548, MeSH D017044, MONDO:0009889.

Allele frequency attached by ClinVar (database versions not stated): ExAC 0.00001; gnomAD 0.00001; gnomAD exomes 0.00001 and 0.00002; TOPMed 0.00002; ESP Exome Variant Server 0.00008.
gnomAD v4.1: 34 of 1,613,812 alleles (0.0021%); highest among the groups gnomAD compares: Admixed American, 0.0033%; no homozygotes.

Submissions (4):

Labcorp Genetics (formerly Invitae), Labcorp
Classification: Likely benign for Autosomal recessive polycystic kidney disease. Last evaluated: 2024-03-07. Review status: criteria provided, single submitter. Criteria: Invitae Variant Classification Sherloc (09022015). Collection method: clinical testing. Allele origin: germline.

Illumina Laboratory Services, Illumina
Classification: Uncertain significance for Polycystic kidney disease 4. Last evaluated: 2018-01-13. Review status: criteria provided, single submitter. Criteria: ICSL Variant Classification Criteria 13 December 2019. Collection method: clinical testing. Allele origin: germline.

PreventionGenetics, part of Exact Sciences
Classification: Likely benign for PKHD1-related condition. Last evaluated: 2024-01-03. Review status: no assertion criteria provided. Collection method: clinical testing. Allele origin: germline. Not counted in ClinVar's aggregate classification.
Comment: This variant is classified as likely benign based on ACMG/AMP sequence variant interpretation guidelines (Richards et al. 2015 PMID: 25741868, with internal and published modifications).

Natera, Inc.
Classification: Likely benign for Autosomal recessive polycystic kidney disease. Last evaluated: 2020-09-16. Review status: no assertion criteria provided. Collection method: clinical testing. Allele origin: germline. Not counted in ClinVar's aggregate classification.